The following is an entry in ClinVar:

ClinVar aggregate classification (germline): Benign. Review status: criteria provided, single submitter (1 of 4 stars). 2 submissions from 1 submitter: Benign (2). Last evaluated 2018-01-12.

Conditions:
Sialic acid storage disease, severe infantile type (ISSD). Also called: Infantile Sialic Acid Storage Disease; N-ACETYLNEURAMINIC ACID STORAGE DISEASE; NANA STORAGE DISEASE; SIALURIA, INFANTILE FORM; Free sialic acid storage disease, infantile form; INFANTILE SIALIC ACID STORAGE DISORDER. Identifiers: Orphanet 309324, Orphanet 834, MedGen C1096902, MONDO:0010027, OMIM 269920.
Salla disease (SD). Also called: Sialuria, Finnish type; N-acetylneuraminic acid (NANA) storage disease (NSD); Infantile sialic acid storage disorder (ISSD); Less Severe FSASD (Salla Disease). Identifiers: Orphanet 309334, Orphanet 834, MedGen C1096903, MONDO:0011449, OMIM 604369.

Allele frequency attached by ClinVar (database versions not stated): gnomAD 0.01441 and 0.01560; 1000 Genomes Project 0.01538; TOPMed 0.01650; 1000 Genomes Project 30x 0.01702.

Submissions (2):

Illumina Laboratory Services, Illumina
Classification: Benign for Sialic acid storage disease, severe infantile type. Last evaluated: 2018-01-12. Review status: criteria provided, single submitter. Criteria: ICSL Variant Classification Criteria 13 December 2019. Collection method: clinical testing. Allele origin: germline.
Comment: This variant was observed in the ICSL laboratory as part of a predisposition screen in an ostensibly healthy population. It had not been previously curated by ICSL or reported in the Human Gene Mutation Database (HGMD: prior to June 1st, 2018), and was therefore a candidate for classification through an automated scoring system. Utilizing variant allele frequency, disease prevalence and penetrance estimates, and inheritance mode, an automated score was calculated to assess if this variant is too frequent to cause the disease. Based on the score and internal cut-off values, a variant classified as benign is not then subjected to further curation. The score for this variant resulted in a classification of benign for this disease.

Illumina Laboratory Services, Illumina
Classification: Benign for Salla disease. Last evaluated: 2018-01-12. Review status: criteria provided, single submitter. Criteria: ICSL Variant Classification Criteria 13 December 2019. Collection method: clinical testing. Allele origin: germline.
Comment: the same text as in the submission from Illumina Laboratory Services, Illumina above.

NM_012434.5(SLC17A5):c.*909C>T

Gene: SLC17A5 (solute carrier family 17 member 5; minus strand). Cytogenetic location: 6q13.
Variant type: single nucleotide variant.
Coding change: c.*909C>T on transcript NM_012434.5 (MANE Select); 909 bases downstream of the stop codon, C replaced by T.
Molecular consequence: 3 prime UTR variant.
Genome position (GRCh38, 1-based): chr6:73,594,168, G>A on the plus strand (C>T on the coding strand, the complement: SLC17A5 is on the minus strand). VCF-style: chr6-73594168-G-A. GRCh37 (hg19) VCF-style: chr6-74303891-G-A.
Identifiers: ClinVar variation 910338 (VCV000910338.4), dbSNP rs142349844, ClinGen allele CA140968101.